The following is an entry in ClinVar:

NM_001142800.2(EYS):c.3003_3004del (p.Cys1001_Glu1002delinsTer)

Gene: EYS (EGF-like photoreceptor maintenance factor; minus strand). Cytogenetic location: 6q12.
Variant type: Microsatellite.
Coding change: c.3003_3004del on transcript NM_001142800.2 (MANE Select); coding-DNA positions 3003 to 3004, 2 bases deleted (TG; older notation c.3003_3004delTG).
Protein change: p.Cys1001_Glu1002delinsTer.
Molecular consequence: nonsense.
Genome position (GRCh38, 1-based): chr6:64,822,811-64,822,812, CA deleted on the plus strand (TG on the coding strand, the reverse complement: EYS is on the minus strand); deleting any 2 consecutive bases within chr6:64,822,811-64,822,814 gives the same sequence; the c. name uses the placement nearest the transcript's 3' end. VCF-style (leftmost placement, unchanged base first): chr6-64822810-TCA-T. GRCh37 (hg19) VCF-style: chr6-65532703-TCA-T.
Other names: c.3003_3004del, p.Cys1001_Glu1002delinsTer (NM_001292009.2).
Identifiers: ClinVar variation 849100 (VCV000849100.12), dbSNP rs1764940309, ClinGen allele CA916082869.
Genomic context (GRCh38, chr6:64,822,810, plus strand): 5'-CCATCGATACAAACTCCATCATGGAGACAGGGCTCTGATAGGCATTCATCTAGATTTATT[TCA>T]CAGTTGATGCCTGTGTTGGAACAGACAAGGCAAAACATGAAACCATTTAAATACAAAACT-3'

ClinVar aggregate classification (germline): Pathogenic/Likely pathogenic. Review status: criteria provided, multiple submitters, no conflicts (2 of 4 stars). 2 submissions from 2 submitters: Pathogenic (1); Likely pathogenic (1). Last evaluated 2025-08-04.

Conditions:
Retinitis pigmentosa 25 (RP25). Identifiers: Orphanet 791, MedGen C1864446, MONDO:0011272, OMIM 602772.

Submissions (2):

Labcorp Genetics (formerly Invitae), Labcorp
Classification: Pathogenic. Last evaluated: 2025-08-04. Review status: criteria provided, single submitter. Criteria: Invitae Variant Classification Sherloc (09022015). Collection method: clinical testing. Allele origin: germline.
Comment: This sequence change creates a premature translational stop signal (p.Cys1001*) in the EYS gene. It is expected to result in an absent or disrupted protein product. Loss-of-function variants in EYS are known to be pathogenic (PMID: 18836446, 20333770). This variant is not present in population databases (gnomAD no frequency). This premature translational stop signal has been observed in individual(s) with retinitis pigmentosa (PMID: 20333770). ClinVar contains an entry for this variant (Variation ID: 849100). For these reasons, this variant has been classified as Pathogenic.

Baylor Genetics
Classification: Likely pathogenic for Retinitis pigmentosa 25. Last evaluated: 2023-04-12. Review status: criteria provided, single submitter. Criteria: ACMG Guidelines, 2015. Collection method: clinical testing. Allele origin: unknown.

Literature cited by the submitters: PubMed 18836446 (cited by Labcorp Genetics (formerly Invitae), Labcorp); PubMed 20333770 (cited by Labcorp Genetics (formerly Invitae), Labcorp).